The following is an entry in ClinVar:

ClinVar aggregate classification (germline): Conflicting classifications of pathogenicity. Review status: criteria provided, conflicting classifications (1 of 4 stars). 6 submissions from 6 submitters: Pathogenic (2); Uncertain significance (1). 3 of the submissions do not count toward it. Last evaluated 2023-12-11.

Conditions:
Nephrotic syndrome, type 2 (NPHS2). Also called: NEPHROTIC SYNDROME, STEROID-RESISTANT, AUTOSOMAL RECESSIVE. Identifiers: Orphanet 656, MedGen C1868672, MONDO:0010974, OMIM 600995.

Allele frequency attached by ClinVar (database versions not stated): gnomAD exomes below 0.00001.
gnomAD v4.1: 2 of 1,613,696 alleles (0.00012%); highest among the groups gnomAD compares: Non-Finnish European, 0.00017%; no homozygotes.

Submissions (6):

Labcorp Genetics (formerly Invitae), Labcorp
Classification: Pathogenic. Last evaluated: 2023-12-11. Review status: criteria provided, single submitter. Criteria: Invitae Variant Classification Sherloc (09022015). Collection method: clinical testing. Allele origin: germline.
Comment: This sequence change replaces alanine, which is neutral and non-polar, with threonine, which is neutral and polar, at codon 288 of the NPHS2 protein (p.Ala288Thr). This variant is present in population databases (no rsID available, gnomAD 0.0009%). This missense change has been observed in individual(s) with clinical features of steroid-resistant nephrotic syndrome (PMID: 12464671, 19145239, 21415313, 24509478). It has been reported in trans with the variant p.Arg229Gln in related affected individuals. This suggests that the combination of p.Arg229Gln and this variant may be clinically significant. ClinVar contains an entry for this variant (Variation ID: 556281). Advanced modeling of protein sequence and biophysical properties (such as structural, functional, and spatial information, amino acid conservation, physicochemical variation, residue mobility, and thermodynamic stability) performed at Invitae indicates that this missense variant is expected to disrupt NPHS2 protein function with a positive predictive value of 80%. This variant has been shown to alter NPHS2 (podocin) protein function, resulting in podocin mislocalization when in combination with p.Arg229Gln-podocin (PMID: 24509478). For these reasons, this variant has been classified as Pathogenic.

Baylor Genetics
Classification: Pathogenic for Nephrotic syndrome, type 2. Last evaluated: 2022-07-26. Review status: criteria provided, single submitter. Criteria: ACMG Guidelines, 2015. Collection method: clinical testing. Allele origin: unknown.

GeneDx
Classification: Uncertain significance. Last evaluated: 2022-05-16. Review status: criteria provided, single submitter. Criteria: GeneDx Variant Classification Process June 2021. Collection method: clinical testing. Allele origin: germline. Affected: yes.
Comment: Not observed at significant frequency in large population cohorts (gnomAD); In silico analysis supports that this missense variant has a deleterious effect on protein structure/function; This variant is associated with the following publications: (PMID: 21415313, 29660491, 24509478, 25349199, 20947785, 30260545, Behnam2016[paper], 24072147, 33102883, 15253708, 19145239, 12464671)

Counsyl
Classification: Likely pathogenic for Nephrotic syndrome, type 2. Last evaluated: 2018-01-23. Review status: no assertion criteria provided. Collection method: clinical testing. Allele origin: unknown. Not counted in ClinVar's aggregate classification.

Genome Diagnostics Laboratory, University Medical Center Utrecht
Classification: Pathogenic. Review status: no assertion criteria provided. Collection method: clinical testing. Allele origin: germline. Affected: yes. Study: VKGL Data-share Consensus. Not counted in ClinVar's aggregate classification.

Joint Genome Diagnostic Labs from Nijmegen and Maastricht, Radboudumc and MUMC+
Classification: Likely pathogenic. Review status: no assertion criteria provided. Collection method: clinical testing. Allele origin: germline. Affected: yes. Study: VKGL Data-share Consensus. Not counted in ClinVar's aggregate classification.

Literature cited by the submitters: PubMed 12464671 (cited by Labcorp Genetics (formerly Invitae), Labcorp and Counsyl); PubMed 19145239 (cited by Labcorp Genetics (formerly Invitae), Labcorp and Counsyl); PubMed 21415313 (cited by Labcorp Genetics (formerly Invitae), Labcorp); PubMed 24509478 (cited by Labcorp Genetics (formerly Invitae), Labcorp and Counsyl); PubMed 20947785 (cited by Counsyl); PubMed 25349199 (cited by Counsyl).

NM_014625.4(NPHS2):c.862G>A (p.Ala288Thr)

Genes: AXDND1 (axonemal dynein light chain domain containing 1; plus strand), NPHS2 (NPHS2 stomatin family member, podocin; minus strand). Cytogenetic location: 1q25.2.
Variant type: single nucleotide variant.
Coding change: c.862G>A on transcript NM_014625.4 (MANE Select); coding-DNA position 862, G replaced by A.
Protein change: p.Ala288Thr; replaces alanine 288 with threonine.
Molecular consequence: missense variant. On other transcripts: intron variant (1).
Genome position (GRCh38, 1-based): chr1:179,552,614, C>T on the plus strand (G>A on the coding strand, the complement: NPHS2 is on the minus strand). VCF-style: chr1-179552614-C-T. GRCh37 (hg19) VCF-style: chr1-179521749-C-T.
Other names: c.658G>A, p.Ala220Thr (NM_001297575.2); c.3032-1898C>T (NM_144696.6); short protein forms A288T, A220T.
Identifiers: ClinVar variation 556281 (VCV000556281.12), dbSNP rs1490010141, ClinGen allele CA343566033.
Genomic context (GRCh38, chr1:179,552,614, plus strand): 5'-GAGCAGGCCTTCCTAAAGGGCAGTCTGGGTGGGAGGATGGAGTGCTCACCCGCACTTTGG[C>T]TTGTCTTTGCGCTTCAGCCTCCACAGCCAGTGAGTGCTGAAGCCCAGCTGGCAACCTCAC-3'
Protein context (NP_055440.1, residues 278-298): LAVEAEAQRQ[Ala288Thr]KVRMIAAEAE